The following is an entry in ClinVar:

NM_004046.6(ATP5F1A):c.136A>C (p.Thr46Pro)

Gene: ATP5F1A (ATP synthase F1 subunit alpha; minus strand). Cytogenetic location: 18q21.1.
Variant type: single nucleotide variant.
Coding change: c.136A>C on transcript NM_004046.6 (MANE Select); coding-DNA position 136, A replaced by C.
Protein change: p.Thr46Pro; replaces threonine 46 with proline.
Molecular consequence: missense variant. On other transcripts: 5 prime UTR variant (2).
Genome position (GRCh38, 1-based): chr18:46,095,056, T>G on the plus strand (A>C on the coding strand, the complement: ATP5F1A is on the minus strand). VCF-style: chr18-46095056-T-G. GRCh37 (hg19) VCF-style: chr18-43675022-T-G.
Other names: c.-88A>C (NM_001001935.3); c.136A>C, p.Thr46Pro (NM_001001937.2, NM_001257334.2); c.-15A>C (NM_001257335.2); short protein forms T46P.
Identifiers: ClinVar variation 4848901 (VCV004848901.1).

ClinVar aggregate classification (germline): Uncertain significance (1 of 4 stars; one submission).

gnomAD v4.1: 1 of 1,610,760 alleles (0.000062%); highest among the groups gnomAD compares: East Asian, 0.0022%; no homozygotes.

Submission:

Women's Health and Genetics/Laboratory Corporation of America, LabCorp
Classification: Uncertain significance. Last evaluated: 2026-04-28. Review status: criteria provided, single submitter. Criteria: LabCorp Variant Classification Summary - May 2015. Collection method: clinical testing. Allele origin: germline.
Comment: Variant summary: ATP5F1A c.136A>C (p.Thr46Pro) results in a non-conservative amino acid change in the encoded protein sequence. Algorithms developed to predict the effect of missense changes on protein structure and function are either unavailable or do not agree on the potential impact of this missense change. The variant was absent in 249844 control chromosomes. The available data on variant occurrences in the general population are insufficient to allow any conclusion about variant significance. To our knowledge, no occurrence of c.136A>C in individuals affected with ATP5F1A-related conditions and no experimental evidence demonstrating its impact on protein function have been reported. No submitters have cited clinical-significance assessments for this variant to ClinVar. Based on the evidence outlined above, the variant was classified as uncertain significance.